The following is an entry in ClinVar:

ClinVar aggregate classification (germline): Uncertain significance (1 of 4 stars; one submission).

Conditions:
Mitochondrial DNA depletion syndrome 1. Also called: Mitochondrial neurogastrointestinal encephalomyopathy syndrome; Mitochondrial Neurogastrointestinal Encephalopathy Disease; MITOCHONDRIAL NEUROGASTROINTESTINAL ENCEPHALOPATHY SYNDROME, TYMP-RELATED; MNGIE, TYMP-RELATED; POLIP SYNDROME; POLYNEUROPATHY, OPHTHALMOPLEGIA, LEUKOENCEPHALOPATHY, AND INTESTINAL PSEUDOOBSTRUCTION. Identifiers: Orphanet 298, MedGen C4551995, MONDO:0011283, OMIM 603041.

Submission:

Myriad Genetics, Inc.
Classification: Uncertain significance for Mitochondrial DNA depletion syndrome 1. Last evaluated: 2026-03-19. Review status: criteria provided, single submitter. Criteria: Myriad Autosomal Dominant, Autosomal Recessive and X-Linked Classification Criteria (2023). Collection method: clinical testing. Allele origin: unknown.
Comment: NM_001953.4(TYMP):c.376_384del9(S126_V128del) is an in-frame deletion classified as a variant of uncertain significance in the context of mitochondrial neurogastrointestinal encephalopathy disease. S126_V128del has not been observed in cases with relevant disease. Relevant functional assessments of this variant are not available in the literature. S126_V128del has not been observed in referenced population frequency databases. In summary, there is insufficient evidence to classify NM_001953.4(TYMP):c.376_384del9(S126_V128del) as pathogenic or benign. Please note: this variant was assessed in the context of healthy population screening.

NM_001953.5(TYMP):c.376_384del (p.Ser126_Val128del)

Gene: TYMP (thymidine phosphorylase; minus strand). Cytogenetic location: 22q13.33.
Variant type: Deletion.
Coding change: c.376_384del on transcript NM_001953.5 (MANE Select); coding-DNA positions 376 to 384, 9 bases deleted (AGCCTGGTC; older notation c.376_384delAGCCTGGTC).
Protein change: p.Ser126_Val128del.
Molecular consequence: inframe deletion.
Genome position (GRCh38, 1-based): chr22:50,529,169-50,529,177, GACCAGGCT deleted on the plus strand (AGCCTGGTC on the coding strand, the reverse complement: TYMP is on the minus strand); deleting any 9 consecutive bases within chr22:50,529,169-50,529,181 gives the same sequence; the c. name uses the placement nearest the transcript's 3' end. VCF-style (leftmost placement, unchanged base first): chr22-50529168-GGACCAGGCT-G. GRCh37 (hg19) VCF-style: chr22-50967597-GGACCAGGCT-G.
Other names: c.376_384del, p.Ser126_Val128del (NM_001113755.3, NM_001113756.3, NM_001257988.1 and 1 more transcripts).
Identifiers: ClinVar variation 5004432 (VCV005004432.1).